The following is an entry in ClinVar:

ClinVar aggregate classification (germline): Uncertain significance (1 of 4 stars; one submission).

Conditions:
Progressive myoclonic epilepsy. Also called: Myoclonus epilepsy; Familial progressive myoclonic epilepsy; Myoclonic Epilepsies, Progressive; Progressive myoclonus epilepsy. Identifiers: Orphanet 308, Orphanet 98261, MedGen C0751778, MONDO:0020074.

Submission:

Labcorp Genetics (formerly Invitae), Labcorp
Classification: Uncertain significance for Progressive myoclonic epilepsy. Last evaluated: 2022-08-20. Review status: criteria provided, single submitter. Criteria: Invitae Variant Classification Sherloc (09022015). Collection method: clinical testing. Allele origin: germline.
Comment: This sequence change replaces glutamine, which is neutral and polar, with histidine, which is basic and polar, at codon 35 of the SCARB2 protein (p.Gln35His). Algorithms developed to predict the effect of missense changes on protein structure and function are either unavailable or do not agree on the potential impact of this missense change (SIFT: "Tolerated"; PolyPhen-2: "Possibly Damaging"; Align-GVGD: "Class C0"). In summary, the available evidence is currently insufficient to determine the role of this variant in disease. Therefore, it has been classified as a Variant of Uncertain Significance. This variant is not present in population databases (gnomAD no frequency). This variant has not been reported in the literature in individuals affected with SCARB2-related conditions.

NM_005506.4(SCARB2):c.105G>T (p.Gln35His)

Gene: SCARB2 (scavenger receptor class B member 2; minus strand). Cytogenetic location: 4q21.1.
Variant type: single nucleotide variant.
Coding change: c.105G>T on transcript NM_005506.4 (MANE Select); coding-DNA position 105, G replaced by T.
Protein change: p.Gln35His; replaces glutamine 35 with histidine.
Molecular consequence: missense variant.
Genome position (GRCh38, 1-based): chr4:76,213,439, C>A on the plus strand (G>T on the coding strand, the complement: SCARB2 is on the minus strand). VCF-style: chr4-76213439-C-A. GRCh37 (hg19) VCF-style: chr4-77134592-C-A.
Other names: c.105G>T, p.Gln35His (NM_001204255.2); short protein forms Q35H.
Identifiers: ClinVar variation 1717135 (VCV001717135.5), dbSNP rs2476318193, ClinGen allele CA357327813.